The following is an entry in ClinVar:

ClinVar aggregate classification (germline): Conflicting classifications of pathogenicity. Review status: criteria provided, conflicting classifications (1 of 4 stars). 3 submissions from 3 submitters: Uncertain significance (1); Likely benign (1). 1 of the submissions does not count toward it. Last evaluated 2025-12-16.

Conditions:
RYR1-related disorder. Also called: RYR1-related condition; RYR1-related disorders. Identifiers: MedGen CN239331.

Allele frequency attached by ClinVar (database versions not stated): 1000 Genomes Project 30x 0.00016; 1000 Genomes Project 0.00020.
gnomAD v4.1: 35 of 1,614,118 alleles (0.0022%); highest among the groups gnomAD compares: East Asian, 0.076%; no homozygotes.

Submissions (3):

GeneDx
Classification: Uncertain significance. Last evaluated: 2025-12-16. Review status: criteria provided, single submitter. Criteria: GeneDx Variant Classification Process June 2021. Collection method: clinical testing. Allele origin: germline.
Comment: Not observed at significant frequency in large population cohorts (gnomAD); Has not been previously published as pathogenic or benign to our knowledge; In silico analysis suggests this variant may impact gene splicing. In the absence of RNA/functional studies, the actual effect of this sequence change is unknown.

Labcorp Genetics (formerly Invitae), Labcorp
Classification: Likely benign for RYR1-related disorder. Last evaluated: 2025-11-18. Review status: criteria provided, single submitter. Criteria: Invitae Variant Classification Sherloc (09022015). Collection method: clinical testing. Allele origin: germline.

RYR1 database
No classification provided. Review status: no classification provided. Collection method: not provided. Allele origin: unknown. Not counted in ClinVar's aggregate classification.

NM_000540.3(RYR1):c.14892C>A (p.Ile4964=)

Gene: RYR1 (ryanodine receptor 1; plus strand). Cytogenetic location: 19q13.2.
Variant type: single nucleotide variant.
Coding change: c.14892C>A on transcript NM_000540.3 (MANE Select); coding-DNA position 14892, C replaced by A.
Protein change: p.Ile4964=; no amino-acid change (isoleucine 4964 retained).
Molecular consequence: synonymous variant.
Genome position (GRCh38, 1-based): chr19:38,586,114, C>A. VCF-style: chr19-38586114-C-A. GRCh37 (hg19) VCF-style: chr19-39076754-C-A.
Other names: c.14877C>A, p.Ile4959= (NM_001042723.2).
Identifiers: ClinVar variation 133097 (VCV000133097.7), dbSNP rs2302297, ClinGen allele CA024274.